The following is an entry in ClinVar:

NM_001267550.2(TTN):c.98606G>A (p.Arg32869His)

Genes: TTN (titin; minus strand), TTN-AS1 (TTN antisense RNA 1; plus strand). Cytogenetic location: 2q31.2.
Variant type: single nucleotide variant.
Coding change: c.98606G>A on transcript NM_001267550.2 (MANE Select); coding-DNA position 98606, G replaced by A.
Protein change: p.Arg32869His; replaces arginine 32869 with histidine.
Molecular consequence: missense variant. On other transcripts: non-coding transcript variant (1).
Genome position (GRCh38, 1-based): chr2:178,539,459, C>T on the plus strand (G>A on the coding strand, the complement: TTN is on the minus strand). VCF-style: chr2-178539459-C-T. GRCh37 (hg19) VCF-style: chr2-179404186-C-T.
Other names: c.93683G>A, p.Arg31228His (NM_001256850.1); c.71411G>A, p.Arg23804His (NM_003319.4); c.90902G>A, p.Arg30301His (NM_133378.4); c.71786G>A, p.Arg23929His (NM_133432.3); c.71987G>A, p.Arg23996His (NM_133437.4); short protein forms R31228H, R32869H, R30301H, R23996H, R23804H, R23929H.
Identifiers: ClinVar variation 515145 (VCV000515145.5), dbSNP rs587780495, ClinGen allele CA1986349.

ClinVar aggregate classification (germline): Conflicting classifications of pathogenicity. Review status: criteria provided, conflicting classifications (1 of 4 stars). 2 submissions from 2 submitters: Uncertain significance (1); Likely benign (1). Last evaluated 2018-02-06.

Allele frequency attached by ClinVar (database versions not stated): TOPMed 0.00001; gnomAD 0.00003 and 0.00005; gnomAD exomes 0.00005; ExAC 0.00007.
gnomAD v4.1: 45 of 1,613,844 alleles (0.0028%); highest among the groups gnomAD compares: Middle Eastern, 0.033%; no homozygotes.

Submissions (2):

GeneDx
Classification: Likely benign. Last evaluated: 2018-02-06. Review status: criteria provided, single submitter. Criteria: GeneDx Variant Classification (06012015). Collection method: clinical testing. Allele origin: germline. Affected: yes.
Comment: This variant is considered likely benign or benign based on one or more of the following criteria: it is a conservative change, it occurs at a poorly conserved position in the protein, it is predicted to be benign by multiple in silico algorithms, and/or has population frequency not consistent with disease.

Eurofins Ntd Llc (ga)
Classification: Uncertain significance. Last evaluated: 2017-09-14. Review status: criteria provided, single submitter. Criteria: EGL Classification Definitions 2015. Collection method: clinical testing. Allele origin: germline. Observed: 1 variant allele, 1 heterozygote.